The following is an entry in ClinVar:

NM_000369.5(TSHR):c.1543del (p.Ile515fs)

Genes: TSHR (thyroid stimulating hormone receptor; plus strand), TSHR-AS1 (TSHR antisense RNA 1; minus strand). Cytogenetic location: 14q31.1.
Variant type: Deletion.
Coding change: c.1543del on transcript NM_000369.5 (MANE Select); coding-DNA position 1543, one base deleted (A; older notation c.1543delA).
Protein change: p.Ile515fs; shifts the reading frame from isoleucine 515.
Molecular consequence: frameshift variant.
Genome position (GRCh38, 1-based): chr14:81,143,601, A deleted. VCF-style (leftmost placement, unchanged base first): chr14-81143600-CA-C. GRCh37 (hg19) VCF-style: chr14-81609944-CA-C.
Other names: short protein forms I515fs.
Identifiers: ClinVar variation 2699268 (VCV002699268.3), dbSNP rs2503944840, ClinGen allele CA2697554073.

ClinVar aggregate classification (germline): Pathogenic (1 of 4 stars; one submission).

Submission:

Labcorp Genetics (formerly Invitae), Labcorp
Classification: Pathogenic. Last evaluated: 2023-11-27. Review status: criteria provided, single submitter. Criteria: Invitae Variant Classification Sherloc (09022015). Collection method: clinical testing. Allele origin: germline.
Comment: This sequence change creates a premature translational stop signal (p.Ile515Serfs*46) in the TSHR gene. While this is not anticipated to result in nonsense mediated decay, it is expected to disrupt the last 250 amino acid(s) of the TSHR protein. This variant is not present in population databases (gnomAD no frequency). This variant has not been reported in the literature in individuals affected with TSHR-related conditions. This variant disrupts a region of the TSHR protein in which other variant(s) (p.Leu653Val) have been determined to be pathogenic (PMID: 17456567, 19240155). This suggests that this is a clinically significant region of the protein, and that variants that disrupt it are likely to be disease-causing. For these reasons, this variant has been classified as Pathogenic.

Literature cited by the submitters: PubMed 17456567; PubMed 19240155.